The following is an entry in ClinVar:

NM_024649.5(BBS1):c.1564del (p.Leu522fs)

Genes: BBS1 (Bardet-Biedl syndrome 1; plus strand), ZDHHC24 (zDHHC palmitoyltransferase 24; minus strand). Cytogenetic location: 11q13.2.
Variant type: Deletion.
Coding change: c.1564del on transcript NM_024649.5 (MANE Select); coding-DNA position 1564, one base deleted (C; older notation c.1564delC).
Protein change: p.Leu522fs; shifts the reading frame from leucine 522.
Molecular consequence: frameshift variant. On other transcripts: intron variant (1).
Genome position (GRCh38, 1-based): chr11:66,530,984, C deleted; the last of 2 consecutive C bases (chr11:66,530,983-66,530,984); deleting either gives the same sequence. VCF-style (leftmost placement, unchanged base first): chr11-66530982-TC-T. GRCh37 (hg19) VCF-style: chr11-66298453-TC-T.
Other names: c.560-1495del (NM_001348571.2); short protein forms L522fs.
Identifiers: ClinVar variation 1434855 (VCV001434855.11), dbSNP rs2134837160, ClinGen allele CA2573147575.

ClinVar aggregate classification (germline): Pathogenic/Likely pathogenic. Review status: criteria provided, multiple submitters, no conflicts (2 of 4 stars). 3 submissions from 3 submitters: Pathogenic (1); Likely pathogenic (2). Last evaluated 2023-03-23.

Conditions:
BBS1-related disorder. Also called: BBS1-related condition.
Bardet-Biedl syndrome (BBS). Identifiers: Orphanet 110, MedGen C0752166, MONDO:0015229.
Bardet-Biedl syndrome 1 (BBS1). Identifiers: MedGen C2936862, MONDO:0008854, OMIM 209900. Disease mechanism: loss of function.

Submissions (3):

Baylor Genetics
Classification: Likely pathogenic for Bardet-Biedl syndrome 1. Last evaluated: 2023-03-23. Review status: criteria provided, single submitter. Criteria: ACMG Guidelines, 2015. Collection method: clinical testing. Allele origin: unknown.

Labcorp Genetics (formerly Invitae), Labcorp
Classification: Pathogenic for Bardet-Biedl syndrome. Last evaluated: 2021-04-25. Review status: criteria provided, single submitter. Criteria: Invitae Variant Classification Sherloc (09022015). Collection method: clinical testing. Allele origin: germline.
Comment: For these reasons, this variant has been classified as Pathogenic. This variant disrupts the C-terminus of the BBS1 protein. Other variant(s) that disrupt this region (p.Arg570*) have been determined to be pathogenic (PMID: 25170860, 28559085). This suggests that variants that disrupt this region of the protein are likely to be causative of disease. This variant has not been reported in the literature in individuals with BBS1-related conditions. This variant is not present in population databases (ExAC no frequency). This sequence change creates a premature translational stop signal (p.Leu522Cysfs*57) in the BBS1 gene. While this is not anticipated to result in nonsense mediated decay, it is expected to disrupt the last 72 amino acid(s) of the BBS1 protein.

Blueprint Genetics
Classification: Likely pathogenic for BBS1-related disorders. Last evaluated: 2020-03-24. Review status: criteria provided, single submitter. Criteria: ACMG Guidelines, 2015. Collection method: clinical testing. Allele origin: germline. Affected: yes. Observed: 1 variant allele.

Literature cited by the submitters: PubMed 25170860 (cited by Labcorp Genetics (formerly Invitae), Labcorp); PubMed 28559085 (cited by Labcorp Genetics (formerly Invitae), Labcorp).